The following is an entry in ClinVar:

NM_014714.4(IFT140):c.1689G>A (p.Ala563=)

Gene: IFT140 (intraflagellar transport 140; minus strand). Cytogenetic location: 16p13.3.
Variant type: single nucleotide variant.
Coding change: c.1689G>A on transcript NM_014714.4 (MANE Select); coding-DNA position 1689, G replaced by A.
Protein change: p.Ala563=; no amino-acid change (alanine 563 retained).
Molecular consequence: synonymous variant.
Genome position (GRCh38, 1-based): chr16:1,568,298, C>T on the plus strand (G>A on the coding strand, the complement: IFT140 is on the minus strand). VCF-style: chr16-1568298-C-T. GRCh37 (hg19) VCF-style: chr16-1618299-C-T.
Other names: c.1689G>A (NM_014714.3).
Identifiers: ClinVar variation 2190843 (VCV002190843.5), dbSNP rs774761227, ClinGen allele CA7814174.

ClinVar aggregate classification (germline): Likely benign. Review status: criteria provided, multiple submitters, no conflicts (2 of 4 stars). 2 submissions from 2 submitters: Likely benign (2). Last evaluated 2025-08-13.

Conditions:
Saldino-Mainzer syndrome (SRTD9). Also called: short-rib thoracic dysplasia 9 with or without polydactyly; Renal dysplasia, retinal pigmentary dystrophy, cerebellar ataxia and skeletal dysplasia; SHORT-RIB THORACIC DYSPLASIA 9 WITHOUT POLYDACTYLY; CONORENAL SYNDROME. Identifiers: Orphanet 140969, MedGen C1849437, MONDO:0009964, OMIM 266920.
IFT140-related disorder. Also called: IFT140-related condition.

Allele frequency attached by ClinVar (database versions not stated): ExAC 0.00002.
gnomAD v4.1: 32 of 1,613,786 alleles (0.002%); highest among the groups gnomAD compares: Non-Finnish European, 0.0023%; no homozygotes.

Submissions (2):

Labcorp Genetics (formerly Invitae), Labcorp
Classification: Likely benign for Saldino-Mainzer syndrome. Last evaluated: 2025-08-13. Review status: criteria provided, single submitter. Criteria: Invitae Variant Classification Sherloc (09022015). Collection method: clinical testing. Allele origin: germline.

PreventionGenetics, part of Exact Sciences
Classification: Likely benign for IFT140-related condition. Last evaluated: 2025-04-28. Review status: criteria provided, single submitter. Criteria: ACMG Guidelines, 2015. Collection method: clinical testing. Allele origin: germline.
Comment: This variant is classified as likely benign based on ACMG/AMP sequence variant interpretation guidelines (Richards et al. 2015 PMID: 25741868, with internal and published modifications).